The following is an entry in ClinVar:

ClinVar aggregate classification (germline): Pathogenic (1 of 4 stars; one submission).

Conditions:
Oculocutaneous albinism type 1. Also called: Albinism 1; ALBINISM I. Identifiers: Orphanet 352731, MedGen C0268494, MONDO:0018135. Disease mechanism: loss of function.

Submission:

Myriad Genetics, Inc.
Classification: Pathogenic for Oculocutaneous albinism type 1. Last evaluated: 2026-05-19. Review status: criteria provided, single submitter. Criteria: Myriad Autosomal Dominant, Autosomal Recessive and X-Linked Classification Criteria (2023). Collection method: clinical testing. Allele origin: unknown.
Comment: NM_000372.4(TYR):c.1386_1387insAA(Y463Nfs*23) is a frameshift variant classified as pathogenic in the context of oculocutaneous albinism, TYR-related. Y463Nfs*23 has been observed in cases with relevant disease (PMID: 27734839, 28976636, 30472657). Relevant functional assessments of this variant are not available in the literature. Y463Nfs*23 has not been observed in referenced population frequency databases. In summary, NM_000372.4(TYR):c.1386_1387insAA(Y463Nfs*23) is a frameshift variant in a gene where loss of function is a known mechanism of disease, is predicted to disrupt protein function, and has been observed more frequently in cases with the relevant disease than in healthy populations. Please note: this variant was assessed in the context of healthy population screening.

Literature cited by the submitters: PubMed 27734839; PubMed 28976636; PubMed 30472657.

NM_000372.5(TYR):c.1386_1387insAA (p.Tyr463fs)

Gene: TYR (tyrosinase; plus strand). Cytogenetic location: 11q14.3.
Variant type: Insertion.
Coding change: c.1386_1387insAA on transcript NM_000372.5 (MANE Select); coding-DNA positions 1386 to 1387, AA inserted.
Protein change: p.Tyr463fs; shifts the reading frame from tyrosine 463.
Molecular consequence: frameshift variant.
Genome position: GRCh38 VCF-style: chr11-89295162-C-CAA. GRCh37 (hg19) VCF-style: chr11-89028330-C-CAA.
Other names: short protein forms Y463fs.
Identifiers: ClinVar variation 5004682 (VCV005004682.1).